The following is an entry in ClinVar:

NM_170707.4(LMNA):c.679G>A (p.Val227Met)

Gene: LMNA (lamin A/C; plus strand). Cytogenetic location: 1q22.
Variant type: single nucleotide variant.
Coding change: c.679G>A on transcript NM_170707.4 (MANE Select); coding-DNA position 679, G replaced by A.
Protein change: p.Val227Met; replaces valine 227 with methionine.
Molecular consequence: missense variant. On other transcripts: nonsense (4).
Genome position (GRCh38, 1-based): chr1:156,134,844, G>A. VCF-style: chr1-156134844-G-A. GRCh37 (hg19) VCF-style: chr1-156104635-G-A.
Other names: c.343G>A, p.Val115Met (NM_001257374.3, NM_001406989.1, NM_001406998.1); c.436G>A, p.Val146Met (NM_001282624.2, NM_001406986.1, NM_001406987.1); c.679G>A, p.Val227Met (NM_001282625.2, NM_001282626.2, NM_001406983.1 and 6 more transcripts); c.382G>A, p.Val128Met (NM_001406988.1); c.121G>A, p.Val41Met (NM_001406990.1, NM_001406993.1, NM_001406995.1 and 4 more transcripts); c.15G>A, p.Trp5Ter (NM_001406994.1, NM_001406999.1, NM_001407000.1 and 1 more transcripts); short protein forms V128M, V115M, V146M, V41M, V227M, W5*.
Identifiers: ClinVar variation 1978461 (VCV001978461.4), dbSNP rs1651395903, ClinGen allele CA342817182.

ClinVar aggregate classification (germline): Uncertain significance (1 of 4 stars; one submission).

Conditions:
Charcot-Marie-Tooth disease type 2. Also called: Charcot-Marie-Tooth type 2. Identifiers: Orphanet 64746, MedGen C0270914, MONDO:0018993.

Allele frequency attached by ClinVar (database versions not stated): TOPMed below 0.00001.

Submission:

Labcorp Genetics (formerly Invitae), Labcorp
Classification: Uncertain significance for Charcot-Marie-Tooth disease type 2. Last evaluated: 2022-04-05. Review status: criteria provided, single submitter. Criteria: Invitae Variant Classification Sherloc (09022015). Collection method: clinical testing. Allele origin: germline.
Comment: In summary, the available evidence is currently insufficient to determine the role of this variant in disease. Therefore, it has been classified as a Variant of Uncertain Significance. Algorithms developed to predict the effect of missense changes on protein structure and function are either unavailable or do not agree on the potential impact of this missense change (SIFT: "Deleterious"; PolyPhen-2: "Possibly Damaging"; Align-GVGD: "Class C15"). This variant has not been reported in the literature in individuals affected with LMNA-related conditions. This variant is not present in population databases (gnomAD no frequency). This sequence change replaces valine, which is neutral and non-polar, with methionine, which is neutral and non-polar, at codon 227 of the LMNA protein (p.Val227Met).